The following is an entry in ClinVar:

NM_001354587.1(ANKRD36):c.4707T>C (p.Tyr1569=)

Gene: ANKRD36 (ankyrin repeat domain 36; plus strand). Cytogenetic location: 2q11.2.
Variant type: single nucleotide variant.
Coding change: c.4707T>C on transcript NM_001354587.1 (MANE Select); coding-DNA position 4707, T replaced by C.
Protein change: p.Tyr1569=; no amino-acid change (tyrosine 1569 retained).
Molecular consequence: synonymous variant.
Genome position (GRCh38, 1-based): chr2:97,245,372, T>C. VCF-style: chr2-97245372-T-C. GRCh37 (hg19) VCF-style: chr2-97911109-T-C.
Identifiers: ClinVar variation 2651166 (VCV002651166.24), dbSNP rs200455439, ClinGen allele CA1788441.

ClinVar aggregate classification (germline): Likely benign (1 of 4 stars; one submission).

Allele frequency attached by ClinVar (database versions not stated): 1000 Genomes Project 30x 0.00047; gnomAD 0.00223; gnomAD exomes 0.00259; ExAC 0.00403.
gnomAD v4.1: 3,982 of 1,569,460 alleles (0.25%); highest among the groups gnomAD compares: South Asian, 0.58%; 60 homozygotes.

Submission:

CeGaT Center for Human Genetics Tuebingen
Classification: Likely benign. Last evaluated: 2025-01-01. Review status: criteria provided, single submitter. Criteria: CeGaT Center For Human Genetics Tuebingen Variant Classification Criteria Version 2. Collection method: clinical testing. Allele origin: germline. Affected: yes. Observed: 3 variant alleles.
Comment: ANKRD36: BP4, BP7, BS2